The following is an entry in ClinVar:

NM_175914.5(HNF4A):c.655_662delinsA (p.Asp219fs)

Gene: HNF4A (hepatocyte nuclear factor 4 alpha; plus strand). Cytogenetic location: 20q13.12.
Variant type: Indel.
Coding change: c.655_662delinsA on transcript NM_175914.5 (MANE Select); coding-DNA positions 655 to 662, GACGTGCT replaced by A.
Protein change: p.Asp219fs; shifts the reading frame from aspartic acid 219.
Molecular consequence: frameshift variant.
Genome position (GRCh38, 1-based): chr20:44,418,497-44,418,504, GACGTGCT replaced by A. VCF-style: chr20-44418497-GACGTGCT-A. GRCh37 (hg19) VCF-style: chr20-43047137-GACGTGCT-A.
Other names: c.721_728delinsA, p.Asp241fs (NM_000457.6, NM_178849.3, NM_178850.3); c.655_662delinsA, p.Asp219fs (NM_001030003.3, NM_001030004.3); c.700_707delinsA, p.Asp234fs (NM_001258355.2); c.646_653delinsA, p.Asp216fs (NM_001287182.2, NM_001287183.2, NM_001287184.2); short protein forms D219fs, D234fs, D241fs, D216fs.
Identifiers: ClinVar variation 3766748 (VCV003766748.1).

ClinVar aggregate classification (germline): Likely pathogenic (1 of 4 stars; one submission).

Submission:

ARUP Laboratories, Molecular Genetics and Genomics, ARUP Laboratories
Classification: Likely pathogenic. Last evaluated: 2024-07-29. Review status: criteria provided, single submitter. Criteria: ARUP Molecular Germline Variant Investigation Process 2024. Collection method: clinical testing. Allele origin: germline.
Comment: The HNF4A c.655_662delinsA; p.Asp219SerfsTer3 variant, to our knowledge, is not reported in the medical literature or gene specific databases. This variant is also absent from the Genome Aggregation Database (v2.1.1), indicating it is not a common polymorphism. This variant causes a frameshift by deleting eight nucleotides and inserting a single nucleotide, so it is predicted to result in a truncated protein or mRNA subject to nonsense-mediated decay. Additionally, loss-of-function is an established disease mechanism in this gene and multiple downstream truncating variants have been described in individuals with monogenic diabetes of the young and are considered pathogenic (Colclough 2013). Based on available information, the c.655_662delinsA variant is considered to be likely pathogenic. References: Colclough K et al. Mutations in the genes encoding the transcription factors hepatocyte nuclear factor 1 alpha and 4 alpha in maturity-onset diabetes of the young and hyperinsulinemic hypoglycemia. Hum Mutat. 2013 May;34(5):669-85. PMID: 23348805.